The following is an entry in ClinVar:

NM_031418.4(ANO3):c.2657+1G>T

Gene: ANO3 (anoctamin 3; plus strand). Cytogenetic location: 11p14.2.
Variant type: single nucleotide variant.
Coding change: c.2657+1G>T on transcript NM_031418.4 (MANE Select); the canonical splice donor site of the intron after coding-DNA position 2657, G replaced by T.
Molecular consequence: splice donor variant.
Genome position (GRCh38, 1-based): chr11:26,656,206, G>T. VCF-style: chr11-26656206-G-T. GRCh37 (hg19) VCF-style: chr11-26677753-G-T.
Other names: c.2840+1G>T (NM_001313726.2); c.2219+1G>T (NM_001313727.2).
Identifiers: ClinVar variation 3360704 (VCV003360704.1).

ClinVar aggregate classification (germline): Uncertain significance (1 of 4 stars; one submission).

Submission:

GeneDx
Classification: Uncertain significance. Last evaluated: 2023-07-04. Review status: criteria provided, single submitter. Criteria: GeneDx Variant Classification Process June 2021. Collection method: clinical testing. Allele origin: germline. Affected: yes.
Comment: Canonical splice site variant in a gene for which loss-of-function is not an established mechanism of disease; Not observed at significant frequency in large population cohorts (gnomAD); Has not been previously published as pathogenic or benign to our knowledge